The following is an entry in ClinVar:

NM_005050.4(ABCD4):c.1028+5G>A

Gene: ABCD4 (ATP binding cassette subfamily D member 4; minus strand). Cytogenetic location: 14q24.3.
Variant type: single nucleotide variant.
Coding change: c.1028+5G>A on transcript NM_005050.4 (MANE Select); 5 bases into the intron after coding-DNA position 1028, G replaced by A.
Molecular consequence: intron variant.
Genome position (GRCh38, 1-based): chr14:74,292,546, C>T on the plus strand (G>A on the coding strand, the complement: ABCD4 is on the minus strand). VCF-style: chr14-74292546-C-T. GRCh37 (hg19) VCF-style: chr14-74759249-C-T.
Other names: c.239+5G>A (NM_001353607.2, NM_001353604.2, NM_001353603.2 and 6 more transcripts); c.551+5G>A (NM_001353598.2, NM_001353601.2, NM_001353600.2 and 2 more transcripts); c.716+5G>A (NM_001353594.2); c.767+5G>A (NM_001353593.2); c.563+5G>A (NM_001353597.2); c.614+5G>A (NM_001353596.2, NM_001353595.2); c.902+5G>A (NM_001353591.2, NM_001353592.2); c.1028+5G>A (NM_020325.3).
Identifiers: ClinVar variation 950209 (VCV000950209.6), dbSNP rs533842238, ClinGen allele CA7266969.

ClinVar aggregate classification (germline): Uncertain significance. Review status: criteria provided, multiple submitters, no conflicts (2 of 4 stars). 2 submissions from 2 submitters: Uncertain significance (2). Last evaluated 2025-11-28.

Conditions:
Methylmalonic acidemia with homocystinuria, type cblJ (MAHCJ). Also called: METHYLMALONIC ACIDURIA AND HOMOCYSTINURIA, cblJ TYPE. Identifiers: Orphanet 369955, MedGen C3553915, MONDO:0013925, OMIM 614857.

Allele frequency attached by ClinVar (database versions not stated): TOPMed 0.00004; gnomAD 0.00005 and 0.00009; gnomAD exomes 0.00010 and 0.00020; 1000 Genomes Project 30x 0.00016; 1000 Genomes Project 0.00020; ExAC 0.00020.

Submissions (2):

Women's Health and Genetics/Laboratory Corporation of America, LabCorp
Classification: Uncertain significance. Last evaluated: 2025-11-28. Review status: criteria provided, single submitter. Criteria: LabCorp Variant Classification Summary - May 2015. Collection method: clinical testing. Allele origin: germline.

Labcorp Genetics (formerly Invitae), Labcorp
Classification: Uncertain significance for Methylmalonic acidemia with homocystinuria, type cblJ. Last evaluated: 2022-10-14. Review status: criteria provided, single submitter. Criteria: Invitae Variant Classification Sherloc (09022015). Collection method: clinical testing. Allele origin: germline.
Comment: This sequence change falls in intron 10 of the ABCD4 gene. It does not directly change the encoded amino acid sequence of the ABCD4 protein. It affects a nucleotide within the consensus splice site. This variant is present in population databases (rs533842238, gnomAD 0.1%). This variant has not been reported in the literature in individuals affected with ABCD4-related conditions. ClinVar contains an entry for this variant (Variation ID: 950209). Variants that disrupt the consensus splice site are a relatively common cause of aberrant splicing (PMID: 17576681, 9536098). Algorithms developed to predict the effect of sequence changes on RNA splicing suggest that this variant is not likely to affect RNA splicing. In summary, the available evidence is currently insufficient to determine the role of this variant in disease. Therefore, it has been classified as a Variant of Uncertain Significance.

Literature cited by the submitters: PubMed 17576681 (cited by Labcorp Genetics (formerly Invitae), Labcorp); PubMed 9536098 (cited by Labcorp Genetics (formerly Invitae), Labcorp).